The following is an entry in ClinVar:

NM_018706.7(DHTKD1):c.1497G>T (p.Arg499Ser)

Gene: DHTKD1 (dehydrogenase E1 and transketolase domain containing 1; plus strand). Cytogenetic location: 10p14.
Variant type: single nucleotide variant.
Coding change: c.1497G>T on transcript NM_018706.7 (MANE Select); coding-DNA position 1497, G replaced by T.
Protein change: p.Arg499Ser; replaces arginine 499 with serine.
Molecular consequence: missense variant.
Genome position (GRCh38, 1-based): chr10:12,097,822, G>T. VCF-style: chr10-12097822-G-T. GRCh37 (hg19) VCF-style: chr10-12139821-G-T.
Other names: short protein forms R499S.
Identifiers: ClinVar variation 2198700 (VCV002198700.4), dbSNP rs1833095490, ClinGen allele CA376021406.

ClinVar aggregate classification (germline): Uncertain significance (1 of 4 stars; one submission).

Conditions:
2-aminoadipic 2-oxoadipic aciduria (AAKAD). Also called: ALPHA-AMINOADIPIC AND ALPHA-KETOADIPIC ACIDURIA; Aminoadipic aciduria. Identifiers: Orphanet 79154, MedGen C1859817, MONDO:0008774, OMIM 204750.

Allele frequency attached by ClinVar (database versions not stated): gnomAD 0.00001.
gnomAD v4.1: 5 of 1,614,006 alleles (0.00031%); highest among the groups gnomAD compares: Middle Eastern, 0.016%; no homozygotes.

Submission:

Labcorp Genetics (formerly Invitae), Labcorp
Classification: Uncertain significance for 2-aminoadipic 2-oxoadipic aciduria. Last evaluated: 2024-10-22. Review status: criteria provided, single submitter. Criteria: Invitae Variant Classification Sherloc (09022015). Collection method: clinical testing. Allele origin: germline.
Comment: This sequence change replaces arginine, which is basic and polar, with serine, which is neutral and polar, at codon 499 of the DHTKD1 protein (p.Arg499Ser). This variant is not present in population databases (gnomAD no frequency). This variant has not been reported in the literature in individuals affected with DHTKD1-related conditions. ClinVar contains an entry for this variant (Variation ID: 2198700). An algorithm developed to predict the effect of missense changes on protein structure and function outputs the following: PolyPhen-2: "Benign". The serine amino acid residue is found in multiple mammalian species, which suggests that this missense change does not adversely affect protein function. In summary, the available evidence is currently insufficient to determine the role of this variant in disease. Therefore, it has been classified as a Variant of Uncertain Significance.